The following is an entry in ClinVar:

NM_017934.7(PHIP):c.3122+10G>C

Genes: IRAK1BP1 (interleukin 1 receptor associated kinase 1 binding protein 1; plus strand), PHIP (PHIP subunit of CUL4-Ring ligase complex; minus strand). Cytogenetic location: 6q14.1.
Variant type: single nucleotide variant.
Coding change: c.3122+10G>C on transcript NM_017934.7 (MANE Select); 10 bases into the intron after coding-DNA position 3122, G replaced by C.
Molecular consequence: intron variant.
Genome position (GRCh38, 1-based): chr6:78,970,039, C>G on the plus strand (G>C on the coding strand, the complement: PHIP is on the minus strand). VCF-style: chr6-78970039-C-G. GRCh37 (hg19) VCF-style: chr6-79679756-C-G.
Identifiers: ClinVar variation 3345658 (VCV003345658.1).
Genomic context (GRCh38, chr6:78,970,039, plus strand): 5'-AAATGTATCTGAATCTTGAAAAACAATCTACAATACTAAGAAAACCATTGCCTCTTTCAA[C>G]AGTCCTTACTTCATGGTAAATGATCCGCCAGTCAGTTTACCAGTATCAGGATCTAGAAAA-3'

ClinVar aggregate classification (germline): Likely benign (0 of 4 stars; one submission).

Conditions:
PHIP-related disorder. Also called: PHIP-related condition; PHIP-related disorders.

Submission:

PreventionGenetics, part of Exact Sciences
Classification: Likely benign for PHIP-related condition. Last evaluated: 2024-07-11. Review status: no assertion criteria provided. Collection method: clinical testing. Allele origin: germline.
Comment: This variant is classified as likely benign based on ACMG/AMP sequence variant interpretation guidelines (Richards et al. 2015 PMID: 25741868, with internal and published modifications).